The following is an entry in ClinVar:

NM_000202.8(IDS):c.1026_1027delinsAT (p.His342_Gly343delinsGlnTer)

Genes: IDS (iduronate 2-sulfatase; minus strand), LOC106050102 (IDS recombination region; plus strand). Cytogenetic location: Xq28.
Variant type: Indel.
Coding change: c.1026_1027delinsAT on transcript NM_000202.8 (MANE Select); coding-DNA positions 1026 to 1027, TG replaced by AT.
Protein change: p.His342_Gly343delinsGlnTer.
Molecular consequence: nonsense.
Genome position (GRCh38, 1-based): chrX:149,487,078-149,487,079, CA replaced by AT on the plus strand (TG replaced by AT on the coding strand, the reverse complement: IDS is on the minus strand). VCF-style: chrX-149487078-CA-AT. GRCh37 (hg19) VCF-style: chrX-148568609-CA-AT.
Other names: c.756_757delinsAT, p.His252_Gly253delinsGlnTer (NM_001166550.4).
Identifiers: ClinVar variation 3255928 (VCV003255928.2).

ClinVar aggregate classification (germline): Pathogenic (1 of 4 stars; one submission).

Conditions:
Mucopolysaccharidosis, MPS-II (MPS2). Also called: Hunter Syndrome; IDURONATE 2-SULFATASE DEFICIENCY; Mucopolysaccharidosis Type II; Mucopolysaccharidosis type 2; Attenuated MPS (subtype; formerly known as mild MPS II); Severe MPS II. Identifiers: Orphanet 580, Orphanet 79388, MedGen C0026705, MONDO:0010674, OMIM 309900.

Submission:

Laboratory of Diagnosis and Therapy of Lysosomal Disorders, University of Padova
Classification: Pathogenic for Mucopolysaccharidosis, MPS-II. Last evaluated: 2024-06-07. Review status: criteria provided, single submitter. Criteria: ACMG Guidelines, 2015. Collection method: literature only. Allele origin: germline. Affected: yes. Observed: 1 variant allele.
Comment: Absent from controls (or at low frequency) in gnomAD database (PM2_Moderate), Protein length changes in a nonrepeat region or stop–loss variants (PM4_Strong), Patient’s phenotype or family history highly specific for the disease (PP4_Strong)

Classification method: ACMG Guidelines [PMID:25741868] with modifications

Literature cited by the submitters: PubMed 9719370.